The following is an entry in ClinVar:

NM_001041.4(SI):c.5267T>C (p.Ile1756Thr)

Gene: SI (sucrase-isomaltase; minus strand). Cytogenetic location: 3q26.1.
Variant type: single nucleotide variant.
Coding change: c.5267T>C on transcript NM_001041.4 (MANE Select); coding-DNA position 5267, T replaced by C.
Protein change: p.Ile1756Thr; replaces isoleucine 1756 with threonine.
Molecular consequence: missense variant.
Genome position (GRCh38, 1-based): chr3:164,982,391, A>G on the plus strand (T>C on the coding strand, the complement: SI is on the minus strand). VCF-style: chr3-164982391-A-G. GRCh37 (hg19) VCF-style: chr3-164700179-A-G.
Other names: c.5267T>C (NM_001041.3); short protein forms I1756T.
Identifiers: ClinVar variation 1909045 (VCV001909045.7), dbSNP rs751083701, ClinGen allele CA2689563.

ClinVar aggregate classification (germline): Uncertain significance. Review status: criteria provided, multiple submitters, no conflicts (2 of 4 stars). 3 submissions from 3 submitters: Uncertain significance (3). Last evaluated 2024-05-16.

Conditions:
Inborn genetic diseases. Identifiers: MedGen C0950123, MeSH D030342.
Sucrase-isomaltase deficiency (CSID). Also called: SI DEFICIENCY; Deficiency of isomaltase; Congenital sucrose isomaltose malabsorption; Sucrose isomaltose enzyme deficiency. Identifiers: Orphanet 35122, MedGen C1283620, MONDO:0009114, OMIM 222900.

Allele frequency attached by ClinVar (database versions not stated): gnomAD exomes below 0.00001; gnomAD 0.00001; TOPMed 0.00001; ExAC 0.00003.
gnomAD v4.1: 7 of 1,611,438 alleles (0.00043%); highest among the groups gnomAD compares: East Asian, 0.011%; no homozygotes.

Submissions (3):

Fulgent Genetics
Classification: Uncertain significance for Sucrase-isomaltase deficiency. Last evaluated: 2024-05-16. Review status: criteria provided, single submitter. Criteria: ACMG Guidelines, 2015. Collection method: clinical testing. Allele origin: germline.

Ambry Genetics
Classification: Uncertain significance for Inborn genetic diseases. Last evaluated: 2023-10-13. Review status: criteria provided, single submitter. Criteria: Ambry Variant Classification Scheme 2023. Collection method: clinical testing. Allele origin: germline.

Labcorp Genetics (formerly Invitae), Labcorp
Classification: Uncertain significance. Last evaluated: 2021-12-22. Review status: criteria provided, single submitter. Criteria: Invitae Variant Classification Sherloc (09022015). Collection method: clinical testing. Allele origin: germline.
Comment: This sequence change replaces isoleucine, which is neutral and non-polar, with threonine, which is neutral and polar, at codon 1756 of the SI protein (p.Ile1756Thr). This variant is present in population databases (rs751083701, gnomAD 0.03%). This variant has not been reported in the literature in individuals affected with SI-related conditions. Advanced modeling of protein sequence and biophysical properties (such as structural, functional, and spatial information, amino acid conservation, physicochemical variation, residue mobility, and thermodynamic stability) performed at Invitae indicates that this missense variant is not expected to disrupt SI protein function. In summary, the available evidence is currently insufficient to determine the role of this variant in disease. Therefore, it has been classified as a Variant of Uncertain Significance.